The following is an entry in ClinVar:

ClinVar aggregate classification (germline): Uncertain significance (1 of 4 stars; one submission).

Conditions:
Hereditary cancer-predisposing syndrome. Also called: Neoplastic Syndromes, Hereditary; Tumor predisposition; Hereditary Cancer Syndrome; Hereditary neoplastic syndrome. Identifiers: Orphanet 140162, MedGen C0027672, MeSH D009386, MONDO:0015356.

Submission:

Ambry Genetics
Classification: Uncertain significance for Hereditary cancer-predisposing syndrome. Last evaluated: 2026-01-05. Review status: criteria provided, single submitter. Criteria: Ambry Variant Classification Scheme 2023. Collection method: clinical testing. Allele origin: germline.
Comment: The p.Q843P variant (also known as c.2528A>C), located in coding exon 18 of the MSH3 gene, results from an A to C substitution at nucleotide position 2528. The glutamine at codon 843 is replaced by proline, an amino acid with similar properties. This amino acid position is conserved. In addition, the in silico prediction for this alteration is inconclusive. Based on the available evidence, the clinical significance of this variant remains unclear.

NM_002439.5(MSH3):c.2528A>C (p.Gln843Pro)

Gene: MSH3 (mutS homolog 3; plus strand). Cytogenetic location: 5q14.1.
Variant type: single nucleotide variant.
Coding change: c.2528A>C on transcript NM_002439.5 (MANE Select); coding-DNA position 2528, A replaced by C.
Protein change: p.Gln843Pro; replaces glutamine 843 with proline.
Molecular consequence: missense variant.
Genome position (GRCh38, 1-based): chr5:80,787,657, A>C. VCF-style: chr5-80787657-A-C. GRCh37 (hg19) VCF-style: chr5-80083476-A-C.
Other names: short protein forms Q843P.
Identifiers: ClinVar variation 4842843 (VCV004842843.1).